The following is an entry in ClinVar:

ClinVar aggregate classification (germline): Pathogenic (1 of 4 stars; one submission).

Conditions:
Pseudo-Hurler polydystrophy. Also called: MUCOLIPIDOSIS IIIA; ML III; ML III ALPHA/BETA; Type III Mucolipidosis; ML IIIA; Mucolipidosis III Alpha/Beta. Identifiers: Orphanet 423461, Orphanet 577, MedGen C0033788, MONDO:0018931, OMIM 252600.
Mucolipidosis type II. Also called: Mucolipidosis II Alpha/Beta; ML II ALPHA/BETA; Mucolipidosis 2; ML 2; Inclusion cell disease; Leroy Disease. Identifiers: Orphanet 576, MedGen C2673377, MONDO:0009650, OMIM 252500.

Allele frequency attached by ClinVar (database versions not stated): gnomAD exomes below 0.00001.

Submission:

Labcorp Genetics (formerly Invitae), Labcorp
Classification: Pathogenic for Pseudo-Hurler polydystrophy; Mucolipidosis type II. Last evaluated: 2024-03-01. Review status: criteria provided, single submitter. Criteria: Invitae Variant Classification Sherloc (09022015). Collection method: clinical testing. Allele origin: germline.
Comment: This sequence change creates a premature translational stop signal (p.Gly485Trpfs*22) in the GNPTAB gene. It is expected to result in an absent or disrupted protein product. Loss-of-function variants in GNPTAB are known to be pathogenic (PMID: 19617216, 25107912). This variant is not present in population databases (gnomAD no frequency). This variant has not been reported in the literature in individuals affected with GNPTAB-related conditions. ClinVar contains an entry for this variant (Variation ID: 1954646). For these reasons, this variant has been classified as Pathogenic.

Literature cited by the submitters: PubMed 19617216; PubMed 25107912.

NM_024312.5(GNPTAB):c.1452dup (p.Gly485fs)

Gene: GNPTAB (N-acetylglucosamine-1-phosphate transferase subunits alpha and beta; minus strand). Cytogenetic location: 12q23.2.
Variant type: Duplication.
Coding change: c.1452dup on transcript NM_024312.5 (MANE Select); coding-DNA position 1452, one base duplicated (T; older notation c.1452dupT).
Protein change: p.Gly485fs; shifts the reading frame from glycine 485.
Molecular consequence: frameshift variant.
Genome position (GRCh38, 1-based): chr12:101,766,251, A duplicated on the plus strand (T on the coding strand, the reverse complement: GNPTAB is on the minus strand). VCF-style (leftmost placement, unchanged base first): chr12-101766250-C-CA. GRCh37 (hg19) VCF-style: chr12-102160028-C-CA.
Other names: short protein forms G485fs.
Identifiers: ClinVar variation 1954646 (VCV001954646.4), dbSNP rs2547958780, ClinGen allele CA2575265011.